The following is an entry in ClinVar:

ClinVar aggregate classification (germline): Uncertain significance (1 of 4 stars; one submission).

Conditions:
Inborn genetic diseases. Identifiers: MedGen C0950123, MeSH D030342.

Submission:

Ambry Genetics
Classification: Uncertain significance for Inborn genetic diseases. Last evaluated: 2020-01-17. Review status: criteria provided, single submitter. Criteria: Ambry Variant Classification Scheme 2023. Collection method: clinical testing. Allele origin: germline.
Comment: The p.S350C variant (also known as c.1049C>G), located in coding exon 9 of the MFN2 gene, results from a C to G substitution at nucleotide position 1049. The serine at codon 350 is replaced by cysteine, an amino acid with dissimilar properties. This amino acid position is well conserved in available vertebrate species. In addition, this alteration is predicted to be deleterious by in silico analysis. Since supporting evidence is limited at this time, the clinical significance of this alteration remains unclear.

NM_014874.4(MFN2):c.1049C>G (p.Ser350Cys)

Gene: MFN2 (mitofusin 2; plus strand). Cytogenetic location: 1p36.22.
Variant type: single nucleotide variant.
Coding change: c.1049C>G on transcript NM_014874.4 (MANE Select); coding-DNA position 1049, C replaced by G.
Protein change: p.Ser350Cys; replaces serine 350 with cysteine.
Molecular consequence: missense variant.
Genome position (GRCh38, 1-based): chr1:12,001,992, C>G. VCF-style: chr1-12001992-C-G. GRCh37 (hg19) VCF-style: chr1-12062049-C-G.
Other names: c.1049C>G, p.Ser350Cys (NM_001127660.2); short protein forms S350C.
Identifiers: ClinVar variation 1776344 (VCV001776344.2), dbSNP rs2523059879, ClinGen allele CA338442650.